The following is an entry in ClinVar:

NM_001034853.2(RPGR):c.255del (p.Lys85fs)

Gene: RPGR (retinitis pigmentosa GTPase regulator; minus strand). Cytogenetic location: Xp11.4.
Variant type: Deletion.
Coding change: c.255del on transcript NM_001034853.2 (MANE Select); coding-DNA position 255, one base deleted (A; older notation c.255delA).
Protein change: p.Lys85fs; shifts the reading frame from lysine 85.
Molecular consequence: frameshift variant. On other transcripts: non-coding transcript variant (6).
Genome position (GRCh38, 1-based): chrX:38,321,082, T deleted on the plus strand (A on the coding strand, the reverse complement: RPGR is on the minus strand); the first of 4 consecutive T bases (chrX:38,321,082-38,321,085); deleting any one gives the same sequence. VCF-style (leftmost placement, unchanged base first): chrX-38321081-GT-G. GRCh37 (hg19) VCF-style: chrX-38180334-GT-G.
Other names: c.255del, p.Lys85fs (NM_000328.3, NM_001367245.1, NM_001367246.1 and 4 more transcripts); c.285del, p.Lys95fs (NM_001367248.1); short protein forms K85fs, K95fs.
Identifiers: ClinVar variation 547071 (VCV000547071.48), dbSNP rs1555968248, ClinGen allele CA658824648.

ClinVar aggregate classification (germline): Pathogenic/Likely pathogenic. Review status: criteria provided, multiple submitters, no conflicts (2 of 4 stars). 5 submissions from 5 submitters: Pathogenic (4); Likely pathogenic (1). Last evaluated 2024-05-29.

Conditions:
Primary ciliary dyskinesia. Also called: Ciliary dyskinesia. Identifiers: Orphanet 244, MedGen C0008780, MONDO:0016575, HP:0012265.
Retinitis pigmentosa (RP). Identifiers: Orphanet 791, MedGen C0035334, MeSH D012174, MONDO:0019200, OMIM 268000. Inheritance: Autosomal dominant, autosomal recessive and X linked inheritance.
RPGR-related disorder. Also called: RPGR-related condition.
Retinal dystrophy. Also called: Inherited retinal dystrophy. Identifiers: Orphanet 71862, MedGen C0854723, MeSH D058499, MONDO:0019118, HP:0000556.

Submissions (5):

Blueprint Genetics
Classification: Pathogenic for RPGR-related disorders. Last evaluated: 2024-05-29. Review status: criteria provided, single submitter. Criteria: ACMG Guidelines, 2015. Collection method: clinical testing. Allele origin: germline. Affected: yes. Observed: 1 variant allele.

Labcorp Genetics (formerly Invitae), Labcorp
Classification: Pathogenic for Primary ciliary dyskinesia. Last evaluated: 2024-04-27. Review status: criteria provided, single submitter. Criteria: Invitae Variant Classification Sherloc (09022015). Collection method: clinical testing. Allele origin: germline.
Comment: This sequence change creates a premature translational stop signal (p.Lys85Asnfs*5) in the RPGR gene. It is expected to result in an absent or disrupted protein product. Loss-of-function variants in RPGR are known to be pathogenic (PMID: 16055928, 16969763). This variant is not present in population databases (gnomAD no frequency). This premature translational stop signal has been observed in individual(s) with retinitis pigmentosa (PMID: 32531858). ClinVar contains an entry for this variant (Variation ID: 547071). For these reasons, this variant has been classified as Pathogenic.

Institute of Human Genetics, Univ. Regensburg, Univ. Regensburg
Classification: Pathogenic for Retinal dystrophy. Last evaluated: 2023-01-01. Review status: criteria provided, single submitter. Criteria: ACMG Guidelines, 2015. Collection method: clinical testing. Allele origin: germline. Affected: yes.

Molecular Genetics Laboratory, Institute for Ophthalmic Research
Classification: Pathogenic for Retinitis pigmentosa. Last evaluated: 2020-01-09. Review status: criteria provided, single submitter. Criteria: ACMG Guidelines, 2015. Collection method: research. Allele origin: germline. Affected: yes.

CeGaT Center for Human Genetics Tuebingen
Classification: Likely pathogenic. Last evaluated: 2017-11-01. Review status: criteria provided, single submitter. Criteria: CeGaT Center For Human Genetics Tuebingen Variant Classification Criteria Version 2. Collection method: clinical testing. Allele origin: germline. Affected: yes. Observed: 1 variant allele.

Literature cited by the submitters: PubMed 16055928 (cited by Labcorp Genetics (formerly Invitae), Labcorp); PubMed 16969763 (cited by Labcorp Genetics (formerly Invitae), Labcorp); PubMed 32531858 (cited by Labcorp Genetics (formerly Invitae), Labcorp and Institute of Human Genetics, Univ. Regensburg, Univ. Regensburg).